The following is an entry in ClinVar:

NM_017791.3(FLVCR2):c.1318G>A (p.Gly440Ser)

Gene: FLVCR2 (FLVCR choline and putative heme transporter 2; plus strand). Cytogenetic location: 14q24.3.
Variant type: single nucleotide variant.
Coding change: c.1318G>A on transcript NM_017791.3 (MANE Select); coding-DNA position 1318, G replaced by A.
Protein change: p.Gly440Ser; replaces glycine 440 with serine.
Molecular consequence: missense variant.
Genome position (GRCh38, 1-based): chr14:75,641,037, G>A. VCF-style: chr14-75641037-G-A. GRCh37 (hg19) VCF-style: chr14-76107380-G-A.
Other names: c.703G>A, p.Gly235Ser (NM_001195283.2); short protein forms G235S, G440S.
Identifiers: ClinVar variation 1252031 (VCV001252031.5), dbSNP rs752732384, ClinGen allele CA7278516.

ClinVar aggregate classification (germline): Uncertain significance. Review status: criteria provided, multiple submitters, no conflicts (2 of 4 stars). 3 submissions from 2 submitters: Uncertain significance (2). 1 of the submissions does not count toward it. Last evaluated 2024-03-14.

Conditions:
Proliferative vasculopathy and hydranencephaly-hydrocephaly syndrome. Also called: ENCEPHALOCLASTIC PROLIFERATIVE VASCULOPATHY; HYDRANENCEPHALY, FOWLER TYPE; HYDROCEPHALY/HYDRANENCEPHALY DUE TO CEREBRAL VASCULOPATHY; Fowler syndrome. Identifiers: Orphanet 221126, MedGen C1856972, MONDO:0009168, OMIM 225790.

Allele frequency attached by ClinVar (database versions not stated): gnomAD 0.00001; ExAC 0.00002; TOPMed below 0.00001; gnomAD exomes 0.00001.
gnomAD v4.1: 10 of 1,613,682 alleles (0.00062%); highest among the groups gnomAD compares: African/African-American, 0.0013%; no homozygotes.

Submissions (3):

Genomic Medicine Center of Excellence, King Faisal Specialist Hospital and Research Centre
Classification: Uncertain significance for Proliferative vasculopathy and hydranencephaly-hydrocephaly syndrome. Last evaluated: 2024-03-14. Review status: criteria provided, single submitter. Criteria: ACMG Guidelines, 2015. Collection method: research. Allele origin: germline.

Neuberg Centre For Genomic Medicine, NCGM
Classification: Uncertain significance for Proliferative vasculopathy and hydranencephaly-hydrocephaly syndrome. Review status: criteria provided, single submitter. Criteria: ACMG Guidelines, 2015. Collection method: clinical testing. Allele origin: germline. Inheritance: Autosomal recessive inheritance. Affected: yes.
Comment: The missense c.1318G>A p.Gly440Ser variant in FLVCR2 gene has been submitted to ClinVar as a Likely Pathogenic. The p.Gly440Ser variant has allele frequency 0.001% in gnomAD Exomes and is novel not in any individuals in 1000 Genomes. The amino acid change p.Gly440Ser in FLVCR2 is predicted as conserved by GERP++ and PhyloP across 100 vertebrates. The amino acid Gly at position 440 is changed to a Ser changing protein sequence and it might alter its composition and physico-chemical properties. Functional studies are required to prove the pathogenicity for the variant, for these reasons, this variant has been classified as Variant of Uncertain Significance VUS.

Genomic Medicine Center of Excellence, King Faisal Specialist Hospital and Research Centre
Classification: Likely pathogenic for Proliferative vasculopathy and hydranencephaly-hydrocephaly syndrome. Last evaluated: 2021-04-29. Review status: flagged submission. Collection method: research. Allele origin: germline. Affected: yes. Not counted in ClinVar's aggregate classification.
ClinVar note: Reason: This record appears to be redundant with a more recent record from the same submitter.
ClinVar note: Notes: SCV001870471 appears to be redundant with SCV004801168.